The following is an entry in ClinVar:

ClinVar aggregate classification (germline): Uncertain significance (1 of 4 stars; one submission).

Conditions:
Ullrich congenital muscular dystrophy 2 (UCMD2). Identifiers: Orphanet 75840, MedGen C4225314, MONDO:0014654, OMIM 616470.
Bethlem myopathy 2 (BTHLM2). Identifiers: Orphanet 536516, Orphanet 610, MedGen C4225313, MONDO:0034022, OMIM 616471.

Submission:

Labcorp Genetics (formerly Invitae), Labcorp
Classification: Uncertain significance for Bethlem myopathy 2; Ullrich congenital muscular dystrophy 2. Last evaluated: 2024-10-15. Review status: criteria provided, single submitter. Criteria: Invitae Variant Classification Sherloc (09022015). Collection method: clinical testing. Allele origin: germline.
Comment: This sequence change replaces phenylalanine, which is neutral and non-polar, with serine, which is neutral and polar, at codon 2622 of the COL12A1 protein (p.Phe2622Ser). This variant is not present in population databases (gnomAD no frequency). This variant has not been reported in the literature in individuals affected with COL12A1-related conditions. Invitae Evidence Modeling of protein sequence and biophysical properties (such as structural, functional, and spatial information, amino acid conservation, physicochemical variation, residue mobility, and thermodynamic stability) indicates that this missense variant is not expected to disrupt COL12A1 protein function with a negative predictive value of 80%. In summary, the available evidence is currently insufficient to determine the role of this variant in disease. Therefore, it has been classified as a Variant of Uncertain Significance.

NM_004370.6(COL12A1):c.7865T>C (p.Phe2622Ser)

Gene: COL12A1 (collagen type XII alpha 1 chain; minus strand). Cytogenetic location: 6q13.
Variant type: single nucleotide variant.
Coding change: c.7865T>C on transcript NM_004370.6 (MANE Select); coding-DNA position 7865, T replaced by C.
Protein change: p.Phe2622Ser; replaces phenylalanine 2622 with serine.
Molecular consequence: missense variant.
Genome position (GRCh38, 1-based): chr6:75,113,289, A>G on the plus strand (T>C on the coding strand, the complement: COL12A1 is on the minus strand). VCF-style: chr6-75113289-A-G. GRCh37 (hg19) VCF-style: chr6-75823005-A-G.
Other names: c.7865T>C, p.Phe2622Ser (NM_001424113.1); c.7844T>C, p.Phe2615Ser (NM_001424114.1); c.7592T>C, p.Phe2531Ser (NM_001424115.1); c.4373T>C, p.Phe1458Ser (NM_001424116.1, NM_080645.3); short protein forms F1458S, F2622S, F2531S, F2615S.
Identifiers: ClinVar variation 2951927 (VCV002951927.3), dbSNP rs2533165305, ClinGen allele CA364743861.
Genomic context (GRCh38, chr6:75,113,289, plus strand): 5'-GTCTTTACTTCTTCTGTGTCAAATGTAACAGTTTGCACCTCGCCTCTTGTATCCTTGTTA[A>G]AGAATGATAACGTCTTGCTAGAAGCTGTAATCAACATAAAAGTGTTATTAAATCATATGC-3'
Protein context (NP_004361.3, residues 2612-2632): ADPSSKTLSF[Phe2622Ser]NKDTRGEVQT